The following is an entry in ClinVar:

NM_002480.3(PPP1R12A):c.2423C>G (p.Ser808Cys)

Gene: PPP1R12A (protein phosphatase 1 regulatory subunit 12A; minus strand). Cytogenetic location: 12q21.2.
Variant type: single nucleotide variant.
Coding change: c.2423C>G on transcript NM_002480.3 (MANE Select); coding-DNA position 2423, C replaced by G.
Protein change: p.Ser808Cys; replaces serine 808 with cysteine.
Molecular consequence: missense variant.
Genome position (GRCh38, 1-based): chr12:79,796,820, G>C on the plus strand (C>G on the coding strand, the complement: PPP1R12A is on the minus strand). VCF-style: chr12-79796820-G-C. GRCh37 (hg19) VCF-style: chr12-80190600-G-C.
Other names: c.2423C>G, p.Ser808Cys (NM_001143885.2, NM_001244990.2); c.2162C>G, p.Ser721Cys (NM_001143886.2); c.2255C>G, p.Ser752Cys (NM_001244992.1); short protein forms S752C, S721C, S808C.
Identifiers: ClinVar variation 2107865 (VCV002107865.4), dbSNP rs776444257, ClinGen allele CA6699438.

ClinVar aggregate classification (germline): Uncertain significance (1 of 4 stars; one submission).

Allele frequency attached by ClinVar (database versions not stated): gnomAD exomes 0.00001; ExAC 0.00002.
gnomAD v4.1: 11 of 1,611,414 alleles (0.00068%); highest among the groups gnomAD compares: Middle Eastern, 0.033%; no homozygotes.

Submission:

Labcorp Genetics (formerly Invitae), Labcorp
Classification: Uncertain significance. Last evaluated: 2022-05-18. Review status: criteria provided, single submitter. Criteria: Invitae Variant Classification Sherloc (09022015). Collection method: clinical testing. Allele origin: germline.
Comment: In summary, the available evidence is currently insufficient to determine the role of this variant in disease. Therefore, it has been classified as a Variant of Uncertain Significance. Algorithms developed to predict the effect of missense changes on protein structure and function are either unavailable or do not agree on the potential impact of this missense change (SIFT: "Deleterious"; PolyPhen-2: "Probably Damaging"; Align-GVGD: "Class C15"). This variant has not been reported in the literature in individuals affected with PPP1R12A-related conditions. This variant is present in population databases (rs776444257, gnomAD 0.003%). This sequence change replaces serine, which is neutral and polar, with cysteine, which is neutral and slightly polar, at codon 808 of the PPP1R12A protein (p.Ser808Cys).